The following is an entry in ClinVar:

ClinVar aggregate classification (germline): Pathogenic/Likely pathogenic. Review status: criteria provided, multiple submitters, no conflicts (2 of 4 stars). 2 submissions from 2 submitters: Pathogenic (1); Likely pathogenic (1). Last evaluated 2026-03-10.

Conditions:
Tuberous sclerosis 2 (TSC2). Identifiers: Orphanet 805, MedGen C1860707, MONDO:0013199, OMIM 613254.

Submissions (2):

Myriad Genetics, Inc.
Classification: Likely pathogenic for Tuberous sclerosis 2. Last evaluated: 2026-03-10. Review status: criteria provided, single submitter. Criteria: Myriad Autosomal Dominant, Autosomal Recessive and X-Linked Classification Criteria (2023). Collection method: clinical testing. Allele origin: unknown.
Comment: This variant is considered likely pathogenic. mRNA analysis has demonstrated abnormal mRNA splicing occurs [PMID: 28336152]. This variant has shown to segregate with cancer in one or more families [PMID: 28336152].

Labcorp Genetics (formerly Invitae), Labcorp
Classification: Pathogenic for Tuberous sclerosis 2. Last evaluated: 2024-06-11. Review status: criteria provided, single submitter. Criteria: Invitae Variant Classification Sherloc (09022015). Collection method: clinical testing. Allele origin: germline.
Comment: This sequence change affects codon 1383 of the TSC2 mRNA. It is a 'silent' change, meaning that it does not change the encoded amino acid sequence of the TSC2 protein. This variant is not present in population databases (gnomAD no frequency). This variant has been observed in individual(s) with tuberous sclerosis complex (PMID: 28336152). It has also been observed to segregate with disease in related individuals. Studies have shown that this variant is associated with altered splicing resulting in multiple RNA products (PMID: 28336152). For these reasons, this variant has been classified as Pathogenic.

Literature cited by the submitters: PubMed 28336152 (cited by Myriad Genetics, Inc. and Labcorp Genetics (formerly Invitae), Labcorp).

NM_000548.5(TSC2):c.4149C>T (p.Ser1383=)

Gene: TSC2 (TSC complex subunit 2; plus strand). Cytogenetic location: 16p13.3.
Variant type: single nucleotide variant.
Coding change: c.4149C>T on transcript NM_000548.5 (MANE Select); coding-DNA position 4149, C replaced by T.
Protein change: p.Ser1383=; no amino-acid change (serine 1383 retained).
Molecular consequence: synonymous variant. On other transcripts: non-coding transcript variant (5).
Genome position (GRCh38, 1-based): chr16:2,084,371, C>T. VCF-style: chr16-2084371-C-T. GRCh37 (hg19) VCF-style: chr16-2134372-C-T.
Other names: c.2676C>T, p.Ser892= (NM_001406690.1); c.2673C>T, p.Ser891= (NM_001406691.1); c.2607C>T, p.Ser869= (NM_001406692.1, NM_001406693.1, NM_001406694.1); c.2604C>T, p.Ser868= (NM_001406695.1, NM_001406696.1, NM_001406697.1); c.2346C>T, p.Ser782= (NM_001406698.1); c.4020C>T, p.Ser1340= (NM_021055.3, NM_001370405.1); c.3948C>T, p.Ser1316= (NM_001077183.3); c.4080C>T, p.Ser1360= (NM_001114382.3); and 26 more.
Identifiers: ClinVar variation 2736296 (VCV002736296.4), dbSNP rs2151524944, ClinGen allele CA493043109.
Genomic context (GRCh38, chr16:2,084,371, plus strand): 5'-CTCCTCGGAGGGTGGCCGGCCCTCTGTGGACCTCTCCTTCCAGCCCTCGCAGCCCCTGAG[C>T]AAGTCCAGCTCCTCTCCCGAGCTGCAGACTCTGCAGGACATCCTCGGGGACCCTGGGGAC-3'
Protein context (NP_000539.2, residues 1373-1393): DLSFQPSQPL[Ser1383=]KSSSSPELQT